The following is an entry in ClinVar:

NM_005660.3(SLC35A2):c.934T>C (p.Ser312Pro)

Gene: SLC35A2 (solute carrier family 35 member A2; minus strand). Cytogenetic location: Xp11.23.
Variant type: single nucleotide variant.
Coding change: c.934T>C on transcript NM_005660.3 (MANE Select); coding-DNA position 934, T replaced by C.
Protein change: p.Ser312Pro; replaces serine 312 with proline.
Molecular consequence: missense variant. On other transcripts: intron variant (3).
Genome position (GRCh38, 1-based): chrX:48,904,975, A>G on the plus strand (T>C on the coding strand, the complement: SLC35A2 is on the minus strand). VCF-style: chrX-48904975-A-G. GRCh37 (hg19) VCF-style: chrX-48762252-A-G.
Other names: c.934T>C, p.Ser312Pro (NM_001042498.3); c.751T>C, p.Ser251Pro (NM_001282649.2); c.973T>C, p.Ser325Pro (NM_001282650.2); c.1018T>C, p.Ser340Pro (NM_001282651.2); c.427-83T>C (NM_001282647.2, NM_001032289.3); c.355-83T>C (NM_001282648.2); short protein forms S251P, S312P, S340P, S325P.
Identifiers: ClinVar variation 4744258 (VCV004744258.1).

ClinVar aggregate classification (germline): Uncertain significance (1 of 4 stars; one submission).

Conditions:
SLC35A2-congenital disorder of glycosylation. Also called: CONGENITAL DISORDER OF GLYCOSYLATION, TYPE IIm; CDG IIm; CONGENITAL DISORDER OF GLYCOSYLATION, TYPE IIm, SOMATIC MOSAIC; DEVELOPMENTAL AND EPILEPTIC ENCEPHALOPATHY 22; SLC35A2-CDG; EPILEPTIC ENCEPHALOPATHY, EARLY INFANTILE, 22. Identifiers: Orphanet 356961, MedGen C3806688, MONDO:0010478, OMIM 300896.

Submission:

Labcorp Genetics (formerly Invitae), Labcorp
Classification: Uncertain significance for SLC35A2-congenital disorder of glycosylation. Last evaluated: 2025-10-20. Review status: criteria provided, single submitter. Criteria: Invitae Variant Classification Sherloc (09022015). Collection method: clinical testing. Allele origin: germline.
Comment: This sequence change replaces serine, which is neutral and polar, with proline, which is neutral and non-polar, at codon 312 of the SLC35A2 protein (p.Ser312Pro). This variant is not present in population databases (gnomAD no frequency). This variant has not been reported in the literature in individuals affected with SLC35A2-related conditions. Invitae Evidence Modeling of protein sequence and biophysical properties (such as structural, functional, and spatial information, amino acid conservation, physicochemical variation, residue mobility, and thermodynamic stability) indicates that this missense variant is expected to disrupt SLC35A2 protein function with a positive predictive value of 80%. In summary, the available evidence is currently insufficient to determine the role of this variant in disease. Therefore, it has been classified as a Variant of Uncertain Significance.